The following is an entry in ClinVar:

NM_017755.6(NSUN2):c.901C>T (p.Arg301Trp)

Gene: NSUN2 (NOP2/Sun RNA methyltransferase 2; minus strand). Cytogenetic location: 5p15.31.
Variant type: single nucleotide variant.
Coding change: c.901C>T on transcript NM_017755.6 (MANE Select); coding-DNA position 901, C replaced by T.
Protein change: p.Arg301Trp; replaces arginine 301 with tryptophan.
Molecular consequence: missense variant. On other transcripts: non-coding transcript variant (1).
Genome position (GRCh38, 1-based): chr5:6,616,847, G>A on the plus strand (C>T on the coding strand, the complement: NSUN2 is on the minus strand). VCF-style: chr5-6616847-G-A. GRCh37 (hg19) VCF-style: chr5-6616960-G-A.
Other names: c.796C>T, p.Arg266Trp (NM_001193455.2); short protein forms R266W, R301W.
Identifiers: ClinVar variation 2663172 (VCV002663172.1), dbSNP rs148056211, ClinGen allele CA3192614.

ClinVar aggregate classification (germline): Uncertain significance (1 of 4 stars; one submission).

Allele frequency attached by ClinVar (database versions not stated): ExAC 0.00002; gnomAD 0.00002; TOPMed 0.00004; ESP Exome Variant Server 0.00008.
gnomAD v4.1: 65 of 1,612,660 alleles (0.004%); highest among the groups gnomAD compares: Non-Finnish European, 0.0052%; no homozygotes.

Submission:

GeneDx
Classification: Uncertain significance. Last evaluated: 2023-05-10. Review status: criteria provided, single submitter. Criteria: GeneDx Variant Classification Process June 2021. Collection method: clinical testing. Allele origin: germline. Affected: yes.
Comment: In silico analysis supports that this missense variant has a deleterious effect on protein structure/function; Has not been previously published as pathogenic or benign to our knowledge